The following is an entry in ClinVar:

ClinVar aggregate classification (germline): Uncertain significance (1 of 4 stars; one submission).

Conditions:
Familial cold autoinflammatory syndrome 3 (FCAS3). Also called: FAMILIAL ATYPICAL COLD URTICARIA; ANTIBODY DEFICIENCY AND IMMUNE DYSREGULATION, PLCG2-ASSOCIATED. Identifiers: Orphanet 300359, MedGen C3280914, MONDO:0013766, OMIM 614468.

gnomAD v4.1: 15 of 1,612,930 alleles (0.00093%); highest among the groups gnomAD compares: Non-Finnish European, 0.0013%; no homozygotes.

Submission:

Labcorp Genetics (formerly Invitae), Labcorp
Classification: Uncertain significance for Familial cold autoinflammatory syndrome 3. Last evaluated: 2025-04-11. Review status: criteria provided, single submitter. Criteria: Invitae Variant Classification Sherloc (09022015). Collection method: clinical testing. Allele origin: germline.
Comment: This sequence change replaces proline, which is neutral and non-polar, with alanine, which is neutral and non-polar, at codon 139 of the PLCG2 protein (p.Pro139Ala). This variant is present in population databases (rs372085742, gnomAD 0.004%). This variant has not been reported in the literature in individuals affected with PLCG2-related conditions. ClinVar contains an entry for this variant (Variation ID: 3636943). An algorithm developed to predict the effect of missense changes on protein structure and function (PolyPhen-2) suggests that this variant is likely to be disruptive. In summary, the available evidence is currently insufficient to determine the role of this variant in disease. Therefore, it has been classified as a Variant of Uncertain Significance.

NM_002661.5(PLCG2):c.415C>G (p.Pro139Ala)

Gene: PLCG2 (phospholipase C gamma 2; plus strand). Cytogenetic location: 16q23.3.
Variant type: single nucleotide variant.
Coding change: c.415C>G on transcript NM_002661.5 (MANE Select); coding-DNA position 415, C replaced by G.
Protein change: p.Pro139Ala; replaces proline 139 with alanine.
Molecular consequence: missense variant.
Genome position (GRCh38, 1-based): chr16:81,858,340, C>G. VCF-style: chr16-81858340-C-G. GRCh37 (hg19) VCF-style: chr16-81891945-C-G.
Other names: c.415C>G, p.Pro139Ala (NM_001425749.1, NM_001425750.1, NM_001425751.1); short protein forms P139A.
Identifiers: ClinVar variation 3636943 (VCV003636943.2).
Genomic context (GRCh38, chr16:81,858,340, plus strand): 5'-GCAGTTAACTGGCTCTCTGGCTTGAAAATCTTACACCAGGAAGCGATGAATGCGTCCACG[C>G]CCACCATTATCGAGAGGTAGTTGGCTTTTGCCTGTTGATTTGCGTAGTTGCTGATTCCTT-3'
Protein context (NP_002652.2, residues 129-149): LHQEAMNAST[Pro139Ala]TIIESWLRKQ